The following is an entry in ClinVar:

ClinVar aggregate classification (germline): Pathogenic. Review status: criteria provided, multiple submitters, no conflicts (2 of 4 stars). 6 submissions from 6 submitters: Pathogenic (6). Last evaluated 2024-10-23.

Conditions:
Inborn genetic diseases. Identifiers: MedGen C0950123, MeSH D030342.
Smith-Magenis syndrome (SMS). Also called: CHROMOSOME 17p11.2 DELETION SYNDROME. Identifiers: Orphanet 819, MedGen C0795864, MONDO:0008434, OMIM 182290.

Submissions (6):

Labcorp Genetics (formerly Invitae), Labcorp
Classification: Pathogenic. Last evaluated: 2024-10-23. Review status: criteria provided, single submitter. Criteria: Invitae Variant Classification Sherloc (09022015). Collection method: clinical testing. Allele origin: germline.
Comment: This sequence change creates a premature translational stop signal (p.Lys989Serfs*74) in the RAI1 gene. It is expected to result in an absent or disrupted protein product. Loss-of-function variants in RAI1 are known to be pathogenic (PMID: 21857958, 24715852). This variant is not present in population databases (gnomAD no frequency). This premature translational stop signal has been observed in individual(s) with a neurodevelopmental condition (PMID: 28708303). ClinVar contains an entry for this variant (Variation ID: 431118). For these reasons, this variant has been classified as Pathogenic.

GeneDx
Classification: Pathogenic. Last evaluated: 2022-08-12. Review status: criteria provided, single submitter. Criteria: GeneDx Variant Classification Process June 2021. Collection method: clinical testing. Allele origin: germline. Affected: yes.
Comment: Frameshift variant predicted to result in protein truncation or nonsense mediated decay in a gene for which loss-of-function is a known mechanism of disease; Not observed in large population cohorts (gnomAD); This variant is associated with the following publications: (PMID: 28708303)

Clinical Genetics Laboratory, Skane University Hospital Lund
Classification: Pathogenic. Last evaluated: 2022-07-21. Review status: criteria provided, single submitter. Criteria: ACMG Guidelines, 2015. Collection method: clinical testing. Allele origin: germline. Affected: yes.

Institute for Genomic Statistics and Bioinformatics, University Hospital Bonn
Classification: Pathogenic for Smith-Magenis syndrome. Last evaluated: 2022-03-10. Review status: criteria provided, single submitter. Criteria: ACMG Guidelines, 2015. Collection method: clinical testing. Allele origin: germline. Inheritance: Autosomal dominant inheritance. Affected: yes. Observed: 1 heterozygote.

Ambry Genetics
Classification: Pathogenic for Inborn genetic diseases. Last evaluated: 2021-09-29. Review status: criteria provided, single submitter. Criteria: Ambry Variant Classification Scheme 2023. Collection method: clinical testing. Allele origin: germline.
Comment: The c.2966_2969delAAGA (p.K989Sfs*74) alteration, located in exon 3 (coding exon 1) of the RAI1 gene, consists of a deletion of 4 nucleotides from position 2966 to 2969, causing a translational frameshift with a predicted alternate stop codon after 74 amino acids. This alteration is expected to result in loss of function by premature protein truncation or nonsense-mediated mRNA decay. This variant was not reported in population-based cohorts in the Genome Aggregation Database (gnomAD). This mutation was identified once in a cohort of individuals with presumed genetic neurodevelopmental disorders via whole exome sequencing (Ch&eacute;rot, 2018). Based on the available evidence, this alteration is classified as pathogenic.

Groupe Hospitalier Pitie Salpetriere, Uf Genomique Du Developpement, Assistance Publique Hopitaux de Paris Sorbonne Université
Classification: Pathogenic for Smith-Magenis syndrome. Last evaluated: 2017-01-06. Review status: criteria provided, single submitter. Criteria: ACMG Guidelines, 2015. Collection method: clinical testing. Allele origin: de novo. Affected: yes. Observed: 1 variant allele.

Literature cited by the submitters: PubMed 21857958 (cited by Labcorp Genetics (formerly Invitae), Labcorp); PubMed 24715852 (cited by Labcorp Genetics (formerly Invitae), Labcorp); PubMed 28708303 (cited by 3 submitters).

NM_030665.4(RAI1):c.2966_2969del (p.Lys989fs)

Gene: RAI1 (retinoic acid induced 1; plus strand). Cytogenetic location: 17p11.2.
Variant type: Microsatellite.
Coding change: c.2966_2969del on transcript NM_030665.4 (MANE Select); coding-DNA positions 2966 to 2969, 4 bases deleted (AAGA; older notation c.2966_2969delAAGA).
Protein change: p.Lys989fs; shifts the reading frame from lysine 989.
Molecular consequence: frameshift variant.
Genome position (GRCh38, 1-based): chr17:17,795,914-17,795,917, AAGA deleted; deleting any 4 consecutive bases within chr17:17,795,909-17,795,917 gives the same sequence; the c. name uses the placement nearest the transcript's 3' end. VCF-style (leftmost placement, unchanged base first): chr17-17795908-CAAAG-C. GRCh37 (hg19) VCF-style: chr17-17699222-CAAAG-C.
Other names: short protein forms K989fs.
Identifiers: ClinVar variation 431118 (VCV000431118.14), dbSNP rs1135401792, ClinGen allele CA645373075.